The following is an entry in ClinVar:

NM_018706.7(DHTKD1):c.2351C>T (p.Pro784Leu)

Gene: DHTKD1 (dehydrogenase E1 and transketolase domain containing 1; plus strand). Cytogenetic location: 10p14.
Variant type: single nucleotide variant.
Coding change: c.2351C>T on transcript NM_018706.7 (MANE Select); coding-DNA position 2351, C replaced by T.
Protein change: p.Pro784Leu; replaces proline 784 with leucine.
Molecular consequence: missense variant.
Genome position (GRCh38, 1-based): chr10:12,117,704, C>T. VCF-style: chr10-12117704-C-T. GRCh37 (hg19) VCF-style: chr10-12159703-C-T.
Other names: short protein forms P784L.
Identifiers: ClinVar variation 2090148 (VCV002090148.4), dbSNP rs1833442586, ClinGen allele CA376014984.

ClinVar aggregate classification (germline): Uncertain significance (1 of 4 stars; one submission).

Conditions:
2-aminoadipic 2-oxoadipic aciduria (AAKAD). Also called: ALPHA-AMINOADIPIC AND ALPHA-KETOADIPIC ACIDURIA; Aminoadipic aciduria. Identifiers: Orphanet 79154, MedGen C1859817, MONDO:0008774, OMIM 204750.

Submission:

Labcorp Genetics (formerly Invitae), Labcorp
Classification: Uncertain significance for 2-aminoadipic 2-oxoadipic aciduria. Last evaluated: 2022-07-08. Review status: criteria provided, single submitter. Criteria: Invitae Variant Classification Sherloc (09022015). Collection method: clinical testing. Allele origin: germline.
Comment: This sequence change replaces proline, which is neutral and non-polar, with leucine, which is neutral and non-polar, at codon 784 of the DHTKD1 protein (p.Pro784Leu). This variant is not present in population databases (gnomAD no frequency). This variant has not been reported in the literature in individuals affected with DHTKD1-related conditions. Algorithms developed to predict the effect of missense changes on protein structure and function are either unavailable or do not agree on the potential impact of this missense change (SIFT: "Deleterious"; PolyPhen-2: "Possibly Damaging"; Align-GVGD: "Class C0"). In summary, the available evidence is currently insufficient to determine the role of this variant in disease. Therefore, it has been classified as a Variant of Uncertain Significance.